The following is an entry in ClinVar:

NM_001114134.2(EPB42):c.1487C>T (p.Thr496Met)

Gene: EPB42 (erythrocyte membrane protein band 4.2; minus strand). Cytogenetic location: 15q15.2.
Variant type: single nucleotide variant.
Coding change: c.1487C>T on transcript NM_001114134.2 (MANE Select); coding-DNA position 1487, C replaced by T.
Protein change: p.Thr496Met; replaces threonine 496 with methionine.
Molecular consequence: missense variant.
Genome position (GRCh38, 1-based): chr15:43,206,461, G>A on the plus strand (C>T on the coding strand, the complement: EPB42 is on the minus strand). VCF-style: chr15-43206461-G-A. GRCh37 (hg19) VCF-style: chr15-43498659-G-A.
Other names: p.Thr526Met; c.1577C>T, p.Thr526Met (NM_000119.3); short protein forms T496M, T526M.
Identifiers: ClinVar variation 1693639 (VCV001693639.11), dbSNP rs199787216, ClinGen allele CA7520317.

ClinVar aggregate classification (germline): Conflicting classifications of pathogenicity. Review status: criteria provided, conflicting classifications (1 of 4 stars). 4 submissions from 4 submitters: Uncertain significance (3); Likely benign (1). Last evaluated 2024-12-27.

Conditions:
Hereditary spherocytosis type 5. Also called: EPB42-Related Spherocytosis; EPB42-Related Hereditary Spherocytosis. Identifiers: Orphanet 822, MedGen C2675192, MONDO:0012985, OMIM 612690.

Allele frequency attached by ClinVar (database versions not stated): ExAC 0.00017; gnomAD exomes 0.00017 and 0.00022; TOPMed 0.00021; gnomAD 0.00024 and 0.00025; 1000 Genomes Project 30x 0.00031; ESP Exome Variant Server 0.00031; 1000 Genomes Project 0.00040.
gnomAD v4.1: 296 of 1,614,226 alleles (0.018%); highest among the groups gnomAD compares: East Asian, 0.053%; 3 homozygotes.

Submissions (4):

Mayo Clinic Laboratories, Mayo Clinic
Classification: Uncertain significance. Last evaluated: 2024-12-27. Review status: criteria provided, single submitter. Criteria: ACMG Guidelines, 2015. Collection method: clinical testing. Allele origin: germline. Observed: 3 variant alleles.
Comment: BP4_strong

Labcorp Genetics (formerly Invitae), Labcorp
Classification: Uncertain significance. Last evaluated: 2024-10-24. Review status: criteria provided, single submitter. Criteria: Invitae Variant Classification Sherloc (09022015). Collection method: clinical testing. Allele origin: germline.
Comment: This sequence change replaces threonine, which is neutral and polar, with methionine, which is neutral and non-polar, at codon 526 of the EPB42 protein (p.Thr526Met). This variant is present in population databases (rs199787216, gnomAD 0.07%). This variant has not been reported in the literature in individuals affected with EPB42-related conditions. ClinVar contains an entry for this variant (Variation ID: 1693639). Invitae Evidence Modeling of protein sequence and biophysical properties (such as structural, functional, and spatial information, amino acid conservation, physicochemical variation, residue mobility, and thermodynamic stability) indicates that this missense variant is not expected to disrupt EPB42 protein function with a negative predictive value of 80%. In summary, the available evidence is currently insufficient to determine the role of this variant in disease. Therefore, it has been classified as a Variant of Uncertain Significance.

Revvity Omics, Revvity
Classification: Likely benign for Hereditary spherocytosis type 5. Last evaluated: 2024-07-10. Review status: criteria provided, single submitter. Criteria: ACMG Guidelines, 2015. Collection method: clinical testing. Allele origin: germline.

Fulgent Genetics
Classification: Uncertain significance for Hereditary spherocytosis type 5. Last evaluated: 2024-05-21. Review status: criteria provided, single submitter. Criteria: ACMG Guidelines, 2015. Collection method: clinical testing. Allele origin: germline.